The following is an entry in ClinVar:

ClinVar aggregate classification (germline): Uncertain significance (1 of 4 stars; one submission).

Conditions:
Hereditary cancer-predisposing syndrome. Also called: Hereditary neoplastic syndrome; Tumor predisposition; Neoplastic Syndromes, Hereditary; Hereditary Cancer Syndrome. Identifiers: Orphanet 140162, MedGen C0027672, MeSH D009386, MONDO:0015356.

Allele frequency attached by ClinVar (database versions not stated): gnomAD exomes below 0.00001; ExAC 0.00001.

Submission:

Labcorp Genetics (formerly Invitae), Labcorp
Classification: Uncertain significance for Hereditary cancer-predisposing syndrome. Last evaluated: 2025-04-22. Review status: criteria provided, single submitter. Criteria: Invitae Variant Classification Sherloc (09022015). Collection method: clinical testing. Allele origin: germline.
Comment: This sequence change replaces isoleucine, which is neutral and non-polar, with valine, which is neutral and non-polar, at codon 997 of the RAD50 protein (p.Ile997Val). This variant is present in population databases (rs755733419, gnomAD 0.003%). This variant has not been reported in the literature in individuals affected with RAD50-related conditions. ClinVar contains an entry for this variant (Variation ID: 1502301). Invitae Evidence Modeling of protein sequence and biophysical properties (such as structural, functional, and spatial information, amino acid conservation, physicochemical variation, residue mobility, and thermodynamic stability) indicates that this missense variant is not expected to disrupt RAD50 protein function with a negative predictive value of 80%. RNA analysis performed to evaluate the impact of this missense change on mRNA splicing indicates it does not significantly alter splicing (internal data). In summary, the available evidence is currently insufficient to determine the role of this variant in disease. Therefore, it has been classified as a Variant of Uncertain Significance.

NM_005732.4(RAD50):c.2989A>G (p.Ile997Val)

Gene: RAD50 (RAD50 double strand break repair protein; plus strand). Cytogenetic location: 5q31.1.
Variant type: single nucleotide variant.
Coding change: c.2989A>G on transcript NM_005732.4 (MANE Select); coding-DNA position 2989, A replaced by G.
Protein change: p.Ile997Val; replaces isoleucine 997 with valine.
Molecular consequence: missense variant.
Genome position (GRCh38, 1-based): chr5:132,609,349, A>G. VCF-style: chr5-132609349-A-G. GRCh37 (hg19) VCF-style: chr5-131945041-A-G.
Other names: short protein forms I997V.
Identifiers: ClinVar variation 1502301 (VCV001502301.8), dbSNP rs755733419, ClinGen allele CA3405497.